The following is an entry in ClinVar:

ClinVar aggregate classification (germline): Conflicting classifications of pathogenicity. Review status: criteria provided, conflicting classifications (1 of 4 stars). 6 submissions from 6 submitters: Uncertain significance (3); Likely benign (3). Last evaluated 2025-12-07.

Conditions:
Familial thoracic aortic aneurysm and aortic dissection (TAAD). Also called: Thoracic aortic aneurysms and dissections. Identifiers: Orphanet 91387, MedGen C4707243, MONDO:0019625.
Marfan syndrome (MFS). Also called: Marfan syndrome, classic; Marfan syndrome type 1; Marfan's syndrome; FBN1-Related Marfan Syndrome; MARFAN SYNDROME, TYPE I. Identifiers: Orphanet 284963, Orphanet 558, MedGen C0024796, MONDO:0007947, OMIM 154700.

Allele frequency attached by ClinVar (database versions not stated): gnomAD exomes 0.00001 and 0.00003; gnomAD 0.00001; ExAC 0.00005.
gnomAD v4.1: 12 of 1,613,954 alleles (0.00074%); highest among the groups gnomAD compares: East Asian, 0.02%; no homozygotes.

Submissions (6):

Labcorp Genetics (formerly Invitae), Labcorp
Classification: Likely benign for Marfan syndrome; Familial thoracic aortic aneurysm and aortic dissection. Last evaluated: 2025-12-07. Review status: criteria provided, single submitter. Criteria: Invitae Variant Classification Sherloc (09022015). Collection method: clinical testing. Allele origin: germline.

Color Diagnostics, LLC DBA Color Health
Classification: Likely benign for Familial thoracic aortic aneurysm and aortic dissection. Last evaluated: 2025-08-20. Review status: criteria provided, single submitter. Criteria: ACMG Guidelines, 2015. Collection method: clinical testing. Allele origin: germline.

GeneDx
Classification: Uncertain significance. Last evaluated: 2025-04-22. Review status: criteria provided, single submitter. Criteria: GeneDx Variant Classification Process June 2021. Collection method: clinical testing. Allele origin: germline. Affected: yes.
Comment: Reported in a patient with Marfan syndrome who harbored an additional FBN1 variant in unknown phase (PMID: 25907466); Does not affect a cysteine or calcium-binding residue within an EGF-like domain or a TGF-binding protein domain of the FBN1 gene; cysteine substitutions in the EGF-like domains represent the majority of pathogenic missense changes associated with FBN1-related disorders (PMID: 12938084); In silico analysis supports that this missense variant has a deleterious effect on protein structure/function; This variant is associated with the following publications: (PMID: 12938084, 25907466, 35058154)

All of Us Research Program, National Institutes of Health
Classification: Uncertain significance for Marfan syndrome. Last evaluated: 2024-08-06. Review status: criteria provided, single submitter. Criteria: ACMG Guidelines, 2015. Collection method: clinical testing. Allele origin: germline. Inheritance: Autosomal dominant inheritance. Observed: 2 variant alleles, 2 heterozygotes.
Comment: This missense variant replaces proline with serine at codon 2676 of the FBN1 protein. Computational prediction is inconclusive regarding the impact of this variant on protein structure and function (internally defined REVEL score threshold 0.5 < inconclusive < 0.7, PMID: 27666373). To our knowledge, functional studies have not been reported for this variant. This variant has not been reported in individuals affected with cardiovascular disorders in the literature. This variant has been identified in 7/249720 chromosomes in the general population by the Genome Aggregation Database (gnomAD). The available evidence is insufficient to determine the role of this variant in disease conclusively. Therefore, this variant is classified as a Variant of Uncertain Significance.

This study involves interpretation of variants in research participants for the purpose of population health screening. Participant phenotype was not available at the time of variant classification. Additional details can be found in publication PMID: 35346344, PMCID: PMC8962531

Blueprint Genetics
Classification: Likely benign. Last evaluated: 2023-06-08. Review status: criteria provided, single submitter. Criteria: ACMG Guidelines, 2015. Collection method: clinical testing. Allele origin: germline.

Centre of Medical Genetics, University of Antwerp
Classification: Uncertain significance for Marfan syndrome. Last evaluated: 2021-03-01. Review status: criteria provided, single submitter. Criteria: Submitter's publication. Collection method: research. Allele origin: unknown. Affected: yes.
Comment: PM2, PP3, PP4

NM_000138.5(FBN1):c.8026C>T (p.Pro2676Ser)

Gene: FBN1 (fibrillin 1; minus strand). Cytogenetic location: 15q21.1.
Variant type: single nucleotide variant.
Coding change: c.8026C>T on transcript NM_000138.5 (MANE Select); coding-DNA position 8026, C replaced by T.
Protein change: p.Pro2676Ser; replaces proline 2676 with serine.
Molecular consequence: missense variant.
Genome position (GRCh38, 1-based): chr15:48,415,561, G>A on the plus strand (C>T on the coding strand, the complement: FBN1 is on the minus strand). VCF-style: chr15-48415561-G-A. GRCh37 (hg19) VCF-style: chr15-48707758-G-A.
Other names: short protein forms P2676S.
Identifiers: ClinVar variation 918552 (VCV000918552.30), dbSNP rs745650955, ClinGen allele CA059462.